The following is an entry in ClinVar:

ClinVar aggregate classification (germline): Benign/Likely benign. Review status: criteria provided, multiple submitters, no conflicts (2 of 4 stars). 6 submissions from 6 submitters: Benign (1); Likely benign (5). Last evaluated 2026-05-14.

Conditions:
Hereditary cancer-predisposing syndrome. Also called: Tumor predisposition; Hereditary neoplastic syndrome; Neoplastic Syndromes, Hereditary; Hereditary Cancer Syndrome. Identifiers: Orphanet 140162, MedGen C0027672, MeSH D009386, MONDO:0015356.
Neurofibromatosis, type 1 (NF1). Also called: Neurofibromatosis, type I; NEUROFIBROMATOSIS, TYPE I, SOMATIC; VON RECKLINGHAUSEN DISEASE; Peripheral type neurofibromatosis. Identifiers: Orphanet 636, MedGen C0027831, MONDO:0018975, OMIM 162200. Disease mechanism: loss of function.

Allele frequency attached by ClinVar (database versions not stated): ExAC 0.00001; TOPMed 0.00002; gnomAD 0.00003.
gnomAD v4.1: 39 of 1,613,584 alleles (0.0024%); highest among the groups gnomAD compares: Non-Finnish European, 0.0025%; no homozygotes.

Submissions (6):

Myriad Genetics, Inc.
Classification: Benign for Neurofibromatosis, type 1. Last evaluated: 2026-05-14. Review status: criteria provided, single submitter. Criteria: Myriad Autosomal Dominant, Autosomal Recessive and X-Linked Classification Criteria (2023). Collection method: clinical testing. Allele origin: unknown.
Comment: This variant is considered benign. This variant is a silent/synonymous amino acid change and it is not expected to impact splicing.

Labcorp Genetics (formerly Invitae), Labcorp
Classification: Likely benign for Neurofibromatosis, type 1. Last evaluated: 2026-01-19. Review status: criteria provided, single submitter. Criteria: Invitae Variant Classification Sherloc (09022015). Collection method: clinical testing. Allele origin: germline.

Genome-Nilou Lab
Classification: Likely benign for Neurofibromatosis, type 1. Last evaluated: 2022-03-15. Review status: criteria provided, single submitter. Criteria: ACMG Guidelines, 2015. Collection method: clinical testing. Allele origin: germline. Affected: no.

Sema4
Classification: Likely benign for Hereditary cancer-predisposing syndrome. Last evaluated: 2022-02-22. Review status: criteria provided, single submitter. Criteria: Sema4 Curation Guidelines. Collection method: curation. Allele origin: germline.

GeneDx
Classification: Likely benign. Last evaluated: 2021-05-03. Review status: criteria provided, single submitter. Criteria: GeneDx Variant Classification Process June 2021. Collection method: clinical testing. Allele origin: germline. Affected: yes.

Ambry Genetics
Classification: Likely benign for Hereditary cancer-predisposing syndrome. Last evaluated: 2014-11-21. Review status: criteria provided, single submitter. Criteria: Ambry Autosomal Dominant and X-Linked criteria (10/2015). Collection method: clinical testing. Allele origin: germline. Observed: 1 variant allele.

NM_001042492.3(NF1):c.129A>C (p.Leu43=)

Gene: NF1 (neurofibromin 1; plus strand). Cytogenetic location: 17q11.2.
Variant type: single nucleotide variant.
Coding change: c.129A>C on transcript NM_001042492.3 (MANE Select); coding-DNA position 129, A replaced by C.
Protein change: p.Leu43=; no amino-acid change (leucine 43 retained).
Molecular consequence: synonymous variant.
Genome position (GRCh38, 1-based): chr17:31,156,051, A>C. VCF-style: chr17-31156051-A-C. GRCh37 (hg19) VCF-style: chr17-29483069-A-C.
Other names: c.129A>C, p.Leu43= (NM_000267.4, NM_001128147.3).
Identifiers: ClinVar variation 215707 (VCV000215707.18), dbSNP rs759576680, ClinGen allele CA339311.